The following is an entry in ClinVar:

ClinVar aggregate classification (germline): Uncertain significance (1 of 4 stars; one submission).

Submission:

Labcorp Genetics (formerly Invitae), Labcorp
Classification: Uncertain significance. Last evaluated: 2022-03-11. Review status: criteria provided, single submitter. Criteria: Invitae Variant Classification Sherloc (09022015). Collection method: clinical testing. Allele origin: germline.
Comment: In summary, the available evidence is currently insufficient to determine the role of this variant in disease. Therefore, it has been classified as a Variant of Uncertain Significance. Experimental studies and prediction algorithms are not available or were not evaluated, and the functional significance of this variant is currently unknown. This variant has not been reported in the literature in individuals affected with TTLL5-related conditions. This variant results in a copy number gain of the genomic region encompassing exon(s) 1-9 of the TTLL5 gene. This region includes the initiator codon of the gene. This copy number gain extends beyond the assayed region for this gene and therefore may encompass additional genes. As the precise location of this event is unknown, it may be in tandem or it may be located elsewhere in the genome.

NC_000014.8:g.(?_76088402)_(76174070_?)dup

Genes: ERG28 (ergosterol biosynthesis 28 homolog; minus strand), FLVCR2 (FLVCR choline and putative heme transporter 2; plus strand), TTLL5 (tubulin tyrosine ligase like 5; plus strand). Cytogenetic location: 14q24.3.
Variant type: Duplication.
Identifiers: ClinVar variation 2426058 (VCV002426058.4).